The following is an entry in ClinVar:

NM_001042492.3(NF1):c.4729C>T (p.Gln1577Ter)

Gene: NF1 (neurofibromin 1; plus strand). Cytogenetic location: 17q11.2.
Variant type: single nucleotide variant.
Coding change: c.4729C>T on transcript NM_001042492.3 (MANE Select); coding-DNA position 4729, C replaced by T.
Protein change: p.Gln1577Ter; replaces glutamine 1577 with a stop codon.
Molecular consequence: nonsense.
Genome position (GRCh38, 1-based): chr17:31,265,233, C>T. VCF-style: chr17-31265233-C-T. GRCh37 (hg19) VCF-style: chr17-29592251-C-T.
Other names: c.4666C>T, p.Gln1556Ter (NM_000267.4); short protein forms Q1556*, Q1577*.
Identifiers: ClinVar variation 208766 (VCV000208766.11), dbSNP rs797044942, ClinGen allele CA204853.
Genomic context (GRCh38, chr17:31,265,233, plus strand): 5'-TACATACTCAGTAGACAACATAAAGCCTCATAATTACTCTGTTATTTTTCTTTTAGGCAT[C>T]AGGTACATGAAAAAGAAGAATTCAAGGCTTTGAAAACGTTAAGTATTTTCTACCAAGCTG-3'

ClinVar aggregate classification (germline): Pathogenic. Review status: criteria provided, multiple submitters, no conflicts (2 of 4 stars). 3 submissions from 3 submitters: Pathogenic (3). Last evaluated 2025-04-23.
ClinVar aggregate classification (oncogenicity): Likely oncogenic (1 of 4 stars; one submission).

Conditions:
Inborn genetic diseases. Identifiers: MedGen C0950123, MeSH D030342.
Neurofibromatosis, type 1 (NF1). Also called: VON RECKLINGHAUSEN DISEASE; Neurofibromatosis, type I; NEUROFIBROMATOSIS, TYPE I, SOMATIC; Peripheral type neurofibromatosis. Identifiers: Orphanet 636, MedGen C0027831, MONDO:0018975, OMIM 162200. Disease mechanism: loss of function.
Neoplasm. Also called: tumor; Neoplasms; Neoplasm (disease). Identifiers: MedGen C0027651, MeSH D009369, MONDO:0005070, HP:0002664.

Submissions (4):

Labcorp Genetics (formerly Invitae), Labcorp
Classification: Pathogenic for Neurofibromatosis, type 1. Last evaluated: 2025-04-23. Review status: criteria provided, single submitter. Criteria: Invitae Variant Classification Sherloc (09022015). Collection method: clinical testing. Allele origin: germline.
Comment: This sequence change creates a premature translational stop signal (p.Gln1556*) in the NF1 gene. It is expected to result in an absent or disrupted protein product. Loss-of-function variants in NF1 are known to be pathogenic (PMID: 10712197, 23913538). This variant is not present in population databases (gnomAD no frequency). This premature translational stop signal has been observed in individual(s) with neurofibromatosis type 1 (PMID: 25356970). In at least one individual the variant was observed to be de novo. Invitae Evidence Modeling of clinical and family history, age, sex, and reported ancestry of multiple individuals with this NF1 variant has been performed. This variant is expected to be pathogenic with a positive predictive value of at least 99%. This is a validated machine learning model that incorporates the clinical features of 1,785,918 individuals referred to our laboratory for NF1 testing. ClinVar contains an entry for this variant (Variation ID: 208766). For these reasons, this variant has been classified as Pathogenic.

Center for Genomic Medicine, Rigshospitalet, Copenhagen University Hospital
Classification: Likely oncogenic for Neoplasm. Last evaluated: 2025-03-04. Review status: criteria provided, single submitter. Criteria: ClinGen/CGC/VICC Guidelines for Oncogenicity, 2022. Collection method: clinical testing. Allele origin: somatic. Affected: yes.

Genome-Nilou Lab
Classification: Pathogenic for Neurofibromatosis, type 1. Last evaluated: 2022-03-15. Review status: criteria provided, single submitter. Criteria: ACMG Guidelines, 2015. Collection method: clinical testing. Allele origin: germline. Affected: no.

Ambry Genetics
Classification: Pathogenic for Inborn genetic diseases. Review status: criteria provided, single submitter. Criteria: Ambry exome assertion method (8-5-2015). Collection method: clinical testing. Allele origin: germline. Inheritance: Autosomal dominant inheritance. Affected: yes. Observed: 1 heterozygote. Segregation with disease observed.
Comment: POSITIVE: Relevant Alteration(s) Detected

Literature cited by the submitters: PubMed 10712197 (cited by Labcorp Genetics (formerly Invitae), Labcorp); PubMed 23913538 (cited by Labcorp Genetics (formerly Invitae), Labcorp); PubMed 25356970 (cited by Labcorp Genetics (formerly Invitae), Labcorp and Ambry Genetics); PubMed 34046057 (cited by Center for Genomic Medicine, Rigshospitalet, Copenhagen University Hospital).